The following is an entry in ClinVar:

ClinVar aggregate classification (germline): Pathogenic (1 of 4 stars; one submission).

Conditions:
Hereditary spastic paraplegia 28. Also called: Spastic paraplegia 28, autosomal recessive. Identifiers: Orphanet 101008, MedGen C1836295, MONDO:0012256, OMIM 609340.

Submission:

Labcorp Genetics (formerly Invitae), Labcorp
Classification: Pathogenic for Hereditary spastic paraplegia 28. Last evaluated: 2023-12-06. Review status: criteria provided, single submitter. Criteria: Invitae Variant Classification Sherloc (09022015). Collection method: clinical testing. Allele origin: germline.
Comment: This sequence change creates a premature translational stop signal (p.His244Profs*9) in the DDHD1 gene. It is expected to result in an absent or disrupted protein product. Loss-of-function variants in DDHD1 are known to be pathogenic (PMID: 23176821, 24989667, 26944165, 27216551). This variant is not present in population databases (gnomAD no frequency). This variant has not been reported in the literature in individuals affected with DDHD1-related conditions. For these reasons, this variant has been classified as Pathogenic.

Literature cited by the submitters: PubMed 23176821; PubMed 24989667; PubMed 26944165; PubMed 27216551.

NM_001160148.2(DDHD1):c.731del (p.His244fs)

Gene: DDHD1 (DDHD domain containing 1; minus strand). Cytogenetic location: 14q22.1.
Variant type: Deletion.
Coding change: c.731del on transcript NM_001160148.2 (MANE Select); coding-DNA position 731, one base deleted (A; older notation c.731delA).
Protein change: p.His244fs; shifts the reading frame from histidine 244.
Molecular consequence: frameshift variant.
Genome position (GRCh38, 1-based): chr14:53,152,368, T deleted on the plus strand (A on the coding strand, the reverse complement: DDHD1 is on the minus strand). VCF-style (leftmost placement, unchanged base first): chr14-53152367-GT-G. GRCh37 (hg19) VCF-style: chr14-53619085-GT-G.
Other names: c.731del, p.His244fs (NM_001160147.2, NM_030637.3); short protein forms H244fs.
Identifiers: ClinVar variation 2699071 (VCV002699071.3), dbSNP rs2503565184, ClinGen allele CA2697553921.